The following is an entry in ClinVar:

NM_001127255.2(NLRP7):c.930G>T (p.Gln310His)

Gene: NLRP7 (NLR family pyrin domain containing 7; minus strand). Cytogenetic location: 19q13.42.
Variant type: single nucleotide variant.
Coding change: c.930G>T on transcript NM_001127255.2 (MANE Select); coding-DNA position 930, G replaced by T.
Protein change: p.Gln310His; replaces glutamine 310 with histidine.
Molecular consequence: missense variant.
Genome position (GRCh38, 1-based): chr19:54,939,889, C>A on the plus strand (G>T on the coding strand, the complement: NLRP7 is on the minus strand). VCF-style: chr19-54939889-C-A. GRCh37 (hg19) VCF-style: chr19-55451257-C-A.
Other names: c.930G>T, p.Gln310His (NM_001405531.1, NM_139176.4, NM_206828.4); short protein forms Q310H.
Identifiers: ClinVar variation 893637 (VCV000893637.15), dbSNP rs145973556, ClinGen allele CA310018920.

ClinVar aggregate classification (germline): Conflicting classifications of pathogenicity. Review status: criteria provided, conflicting classifications (1 of 4 stars). 4 submissions from 4 submitters: Uncertain significance (1); Likely benign (1). 2 of the submissions do not count toward it. Last evaluated 2026-06-01.

Conditions:
Hydatidiform mole, recurrent, 1 (HYDM1). Identifiers: Orphanet 254688, Orphanet 99927, MedGen C3463897, MONDO:0009273, OMIM 231090. Disease mechanism: loss of function.

Allele frequency attached by ClinVar (database versions not stated): 1000 Genomes Project 30x 0.00109; 1000 Genomes Project 0.00120; ExAC 0.00162; gnomAD 0.00203 and 0.00200; TOPMed 0.00212; gnomAD exomes 0.00172 and 0.00324; ESP Exome Variant Server 0.00269.
gnomAD v4.1: 4,989 of 1,613,846 alleles (0.31%); highest among the groups gnomAD compares: Non-Finnish European, 0.39%; 12 homozygotes.

Submissions (4):

CeGaT Center for Human Genetics Tuebingen
Classification: Likely benign. Last evaluated: 2026-06-01. Review status: criteria provided, single submitter. Criteria: CeGaT Center For Human Genetics Tuebingen Variant Classification Criteria Version 2. Collection method: clinical testing. Allele origin: germline. Affected: yes. Observed: 2 variant alleles.
Comment: NLRP7: BP4, BS2

Illumina Laboratory Services, Illumina
Classification: Uncertain significance for Hydatidiform mole, recurrent, 1. Last evaluated: 2018-06-19. Review status: criteria provided, single submitter. Criteria: ICSL Variant Classification Criteria 13 December 2019. Collection method: clinical testing. Allele origin: germline.

Clinical Genetics DNA and cytogenetics Diagnostics Lab, Erasmus MC, Erasmus Medical Center
Classification: Likely benign. Review status: no assertion criteria provided. Collection method: clinical testing. Allele origin: germline. Affected: yes. Study: VKGL Data-share Consensus. Not counted in ClinVar's aggregate classification.

Diagnostic Laboratory, Department of Genetics, University Medical Center Groningen
Classification: Likely benign. Review status: no assertion criteria provided. Collection method: clinical testing. Allele origin: germline. Affected: yes. Study: VKGL Data-share Consensus. Not counted in ClinVar's aggregate classification.